The following is an entry in ClinVar:

ClinVar aggregate classification (germline): Pathogenic (1 of 4 stars; one submission).

Conditions:
Hermansky-Pudlak syndrome 2 (HPS2). Also called: Platelet defects and oculocutaneous albinism. Identifiers: Orphanet 183678, Orphanet 79430, MedGen C1842362, MONDO:0011997, OMIM 608233.

Submission:

Labcorp Genetics (formerly Invitae), Labcorp
Classification: Pathogenic for Hermansky-Pudlak syndrome 2. Last evaluated: 2025-05-10. Review status: criteria provided, single submitter. Criteria: Invitae Variant Classification Sherloc (09022015). Collection method: clinical testing. Allele origin: germline.
Comment: This sequence change creates a premature translational stop signal (p.Leu450Serfs*7) in the AP3B1 gene. It is expected to result in an absent or disrupted protein product. Loss-of-function variants in AP3B1 are known to be pathogenic (PMID: 16507770, 23403622). This variant is present in population databases (rs755854928, gnomAD 0.0009%). This variant has not been reported in the literature in individuals affected with AP3B1-related conditions. For these reasons, this variant has been classified as Pathogenic.

Literature cited by the submitters: PubMed 16507770; PubMed 23403622.

NM_003664.5(AP3B1):c.1344_1347dup (p.Leu450fs)

Gene: AP3B1 (adaptor related protein complex 3 subunit beta 1; minus strand). Cytogenetic location: 5q14.1.
Variant type: Microsatellite.
Coding change: c.1344_1347dup on transcript NM_003664.5 (MANE Select); coding-DNA positions 1344 to 1347, 4 bases duplicated (TCTG; older notation c.1344_1347dupTCTG).
Protein change: p.Leu450fs; shifts the reading frame from leucine 450.
Molecular consequence: frameshift variant.
Genome position (GRCh38, 1-based): chr5:78,162,835-78,162,838, CAGA duplicated on the plus strand (TCTG on the coding strand, the reverse complement: AP3B1 is on the minus strand); duplicating any 4 consecutive bases within chr5:78,162,835-78,162,843 gives the same sequence; the c. name uses the placement nearest the transcript's 3' end. VCF-style (leftmost placement, unchanged base first): chr5-78162834-G-GCAGA. GRCh37 (hg19) VCF-style: chr5-77458658-G-GCAGA.
Other names: c.1197_1200dup, p.Leu401fs (NM_001271769.2); c.1344_1347dup, p.Leu450fs (NM_001410752.1); short protein forms L401fs, L450fs.
Identifiers: ClinVar variation 4691438 (VCV004691438.1).